The following is an entry in ClinVar:

NM_014319.5(LEMD3):c.26C>T (p.Pro9Leu)

Gene: LEMD3 (LEM domain containing 3; plus strand). Cytogenetic location: 12q14.3.
Variant type: single nucleotide variant.
Coding change: c.26C>T on transcript NM_014319.5 (MANE Select); coding-DNA position 26, C replaced by T.
Protein change: p.Pro9Leu; replaces proline 9 with leucine.
Molecular consequence: missense variant.
Genome position (GRCh38, 1-based): chr12:65,169,622, C>T. VCF-style: chr12-65169622-C-T. GRCh37 (hg19) VCF-style: chr12-65563402-C-T.
Other names: c.26C>T, p.Pro9Leu (NM_001167614.2); c.26C>T (NM_014319.4); short protein forms P9L.
Identifiers: ClinVar variation 1469084 (VCV001469084.9), dbSNP rs1291841471, ClinGen allele CA385670804.
Genomic context (GRCh38, chr12:65,169,622, plus strand): 5'-GTAGCGCGGAGCTTGTAAAACACCCTGGAGAGAAAATGGCGGCGGCAGCAGCTTCGGCGC[C>T]TCAGCAGCTCTCGGATGAGGAGCTTTTCTCTCAGCTCCGCCGTTACGGCCTGTCTCCCGG-3'
Protein context (NP_055134.2, residues 1-19): MAAAAASA[Pro9Leu]QQLSDEELFS

ClinVar aggregate classification (germline): Uncertain significance. Review status: criteria provided, multiple submitters, no conflicts (2 of 4 stars). 2 submissions from 2 submitters: Uncertain significance (2). Last evaluated 2025-02-22.

Conditions:
Inborn genetic diseases. Identifiers: MedGen C0950123, MeSH D030342.

Allele frequency attached by ClinVar (database versions not stated): gnomAD exomes below 0.00001; TOPMed below 0.00001; gnomAD 0.00001.
gnomAD v4.1: 2 of 1,588,662 alleles (0.00013%); highest among the groups gnomAD compares: Non-Finnish European, 0.00017%; no homozygotes.

Submissions (2):

Ambry Genetics
Classification: Uncertain significance for Inborn genetic diseases. Last evaluated: 2025-02-22. Review status: criteria provided, single submitter. Criteria: Ambry Variant Classification Scheme 2023. Collection method: clinical testing. Allele origin: germline.

Labcorp Genetics (formerly Invitae), Labcorp
Classification: Uncertain significance. Last evaluated: 2023-08-10. Review status: criteria provided, single submitter. Criteria: Invitae Variant Classification Sherloc (09022015). Collection method: clinical testing. Allele origin: germline.
Comment: In summary, the available evidence is currently insufficient to determine the role of this variant in disease. Therefore, it has been classified as a Variant of Uncertain Significance. Advanced modeling of protein sequence and biophysical properties (such as structural, functional, and spatial information, amino acid conservation, physicochemical variation, residue mobility, and thermodynamic stability) performed at Invitae indicates that this missense variant is not expected to disrupt LEMD3 protein function. ClinVar contains an entry for this variant (Variation ID: 1469084). This sequence change replaces proline, which is neutral and non-polar, with leucine, which is neutral and non-polar, at codon 9 of the LEMD3 protein (p.Pro9Leu). This variant is not present in population databases (gnomAD no frequency). This variant has not been reported in the literature in individuals affected with LEMD3-related conditions.